The following is an entry in ClinVar:

ClinVar aggregate classification (germline): Uncertain significance. Review status: criteria provided, multiple submitters, no conflicts (2 of 4 stars). 3 submissions from 3 submitters: Uncertain significance (3). Last evaluated 2024-12-03.

Conditions:
Tuberous sclerosis syndrome (TSC). Also called: Tuberous sclerosis; Tuberous Sclerosis Complex. Identifiers: Orphanet 805, MedGen C0041341, MONDO:0001734.
Tuberous sclerosis 1 (TSC1). Identifiers: Orphanet 805, MedGen C1854465, MONDO:0008612, OMIM 191100.
TSC1-related disorder. Also called: TSC1-related condition.

Submissions (3):

PreventionGenetics, part of Exact Sciences
Classification: Uncertain significance for TSC1-related condition. Last evaluated: 2024-12-03. Review status: criteria provided, single submitter. Criteria: ACMG Guidelines, 2015. Collection method: clinical testing. Allele origin: germline.
Comment: The TSC1 c.2977C>T variant is predicted to result in the amino acid substitution p.Leu993Phe. To our knowledge, this variant has not been reported in the literature or in a large population database (gnomAD), indicating this variant is rare. At this time, the clinical significance of this variant is uncertain due to the absence of conclusive functional and genetic evidence.

All of Us Research Program, National Institutes of Health
Classification: Uncertain significance for Tuberous sclerosis syndrome. Last evaluated: 2023-06-26. Review status: criteria provided, single submitter. Criteria: ACMG Guidelines, 2015. Collection method: clinical testing. Allele origin: germline. Inheritance: Autosomal dominant inheritance. Observed: 1 variant allele, 1 heterozygote.
Comment: This missense variant replaces leucine with phenylalanine at codon 993 of the TSC1 protein. Computational prediction suggests that this variant may not impact protein structure and function (internally defined REVEL score threshold <= 0.5, PMID: 27666373). To our knowledge, functional studies have not been reported for this variant. This variant has not been reported in individuals affected with TSC1-related disorders in the literature. This variant has not been identified in the general population by the Genome Aggregation Database (gnomAD). The available evidence is insufficient to determine the role of this variant in disease conclusively. Therefore, this variant is classified as a Variant of Uncertain Significance.

This study involves interpretation of variants in research participants for the purpose of population health screening. Participant phenotype was not available at the time of variant classification. Additional details can be found in publication PMID: 35346344, PMCID: PMC8962531

Labcorp Genetics (formerly Invitae), Labcorp
Classification: Uncertain significance for Tuberous sclerosis 1. Last evaluated: 2020-08-27. Review status: criteria provided, single submitter. Criteria: Invitae Variant Classification Sherloc (09022015). Collection method: clinical testing. Allele origin: germline.
Comment: This variant is not present in population databases (ExAC no frequency). This sequence change replaces leucine with phenylalanine at codon 993 of the TSC1 protein (p.Leu993Phe). The leucine residue is moderately conserved and there is a small physicochemical difference between leucine and phenylalanine. This variant has not been reported in the literature in individuals with TSC1-related conditions. Algorithms developed to predict the effect of missense changes on protein structure and function output the following: SIFT: "Tolerated"; PolyPhen-2: "Benign"; Align-GVGD: "Class C0". The phenylalanine amino acid residue is found in multiple mammalian species, suggesting that this missense change does not adversely affect protein function. These predictions have not been confirmed by published functional studies and their clinical significance is uncertain. Algorithms developed to predict the effect of sequence changes on RNA splicing suggest that this variant may create or strengthen a splice site, but this prediction has not been confirmed by published transcriptional studies. In summary, the available evidence is currently insufficient to determine the role of this variant in disease. Therefore, it has been classified as a Variant of Uncertain Significance.

NM_000368.5(TSC1):c.2977C>T (p.Leu993Phe)

Gene: TSC1 (TSC complex subunit 1; minus strand). Cytogenetic location: 9q34.13.
Variant type: single nucleotide variant.
Coding change: c.2977C>T on transcript NM_000368.5 (MANE Select); coding-DNA position 2977, C replaced by T.
Protein change: p.Leu993Phe; replaces leucine 993 with phenylalanine.
Molecular consequence: missense variant.
Genome position (GRCh38, 1-based): chr9:132,896,753, G>A on the plus strand (C>T on the coding strand, the complement: TSC1 is on the minus strand). VCF-style: chr9-132896753-G-A. GRCh37 (hg19) VCF-style: chr9-135772140-G-A.
Other names: c.2974C>T, p.Leu992Phe (NM_001162426.2); c.2824C>T, p.Leu942Phe (NM_001162427.2); c.2614C>T, p.Leu872Phe (NM_001362177.2); c.2977C>T (NM_000368.4); short protein forms L872F, L942F, L992F, L993F.
Identifiers: ClinVar variation 1055082 (VCV001055082.11), dbSNP rs1177810382, ClinGen allele CA375368091.